The following is an entry in ClinVar:

NM_002677.5(PMP2):c.395T>A (p.Val132Asp)

Gene: PMP2 (peripheral myelin protein 2; minus strand). Cytogenetic location: 8q21.13.
Variant type: single nucleotide variant.
Coding change: c.395T>A on transcript NM_002677.5 (MANE Select); coding-DNA position 395, T replaced by A.
Protein change: p.Val132Asp; replaces valine 132 with aspartic acid.
Molecular consequence: missense variant. On other transcripts: 3 prime UTR variant (1).
Genome position (GRCh38, 1-based): chr8:81,443,402, A>T on the plus strand (T>A on the coding strand, the complement: PMP2 is on the minus strand). VCF-style: chr8-81443402-A-T. GRCh37 (hg19) VCF-style: chr8-82355637-A-T.
Other names: c.*39T>A (NM_001348381.2); short protein forms V132D.
Identifiers: ClinVar variation 2891291 (VCV002891291.3), dbSNP rs773390955, ClinGen allele CA4791885.

ClinVar aggregate classification (germline): Uncertain significance (1 of 4 stars; one submission).

Submission:

Labcorp Genetics (formerly Invitae), Labcorp
Classification: Uncertain significance. Last evaluated: 2025-09-10. Review status: criteria provided, single submitter. Criteria: Invitae Variant Classification Sherloc (09022015). Collection method: clinical testing. Allele origin: germline.
Comment: This sequence change replaces valine, which is neutral and non-polar, with aspartic acid, which is acidic and polar, at codon 132 of the PMP2 protein (p.Val132Asp). This variant is present in population databases (rs773390955, gnomAD 0.02%). This variant has not been reported in the literature in individuals affected with PMP2-related conditions. ClinVar contains an entry for this variant (Variation ID: 2891291). An algorithm developed to predict the effect of missense changes on protein structure and function (PolyPhen-2) suggests that this variant is likely to be tolerated. In summary, the available evidence is currently insufficient to determine the role of this variant in disease. Therefore, it has been classified as a Variant of Uncertain Significance.